The following is an entry in ClinVar:

NM_012062.5(DNM1L):c.1722delinsAGGTTTTTCAGGTGCATCA (p.Gly575_Gly576insPheSerGlyAlaSerGly)

Gene: DNM1L (dynamin 1 like; plus strand). Cytogenetic location: 12p11.21.
Variant type: Indel.
Coding change: c.1722delinsAGGTTTTTCAGGTGCATCA on transcript NM_012062.5 (MANE Select); coding-DNA position 1722, T replaced by AGGTTTTTCAGGTGCATCA.
Protein change: p.Gly575_Gly576insPheSerGlyAlaSerGly.
Molecular consequence: inframe insertion.
Genome position (GRCh38, 1-based): chr12:32,740,078, T replaced by AGGTTTTTCAGGTGCATCA. VCF-style: chr12-32740078-T-AGGTTTTTCAGGTGCATCA. GRCh37 (hg19) VCF-style: chr12-32893012-T-AGGTTTTTCAGGTGCATCA.
Other names: c.1689delinsAGGTTTTTCAGGTGCATCA, p.Gly564_Gly565insPheSerGlyAlaSerGly (NM_001278463.2); c.1761delinsAGGTTTTTCAGGTGCATCA, p.Gly588_Gly589insPheSerGlyAlaSerGly (NM_001278464.2); c.1728delinsAGGTTTTTCAGGTGCATCA, p.Gly577_Gly578insPheSerGlyAlaSerGly (NM_001278465.2); c.1113delinsAGGTTTTTCAGGTGCATCA, p.Gly372_Gly373insPheSerGlyAlaSerGly (NM_001278466.2); c.1650delinsAGGTTTTTCAGGTGCATCA, p.Gly551_Gly552insPheSerGlyAlaSerGly (NM_001330380.2); c.1611delinsAGGTTTTTCAGGTGCATCA, p.Gly538_Gly539insPheSerGlyAlaSerGly (NM_005690.5); c.1644delinsAGGTTTTTCAGGTGCATCA, p.Gly549_Gly550insPheSerGlyAlaSerGly (NM_012063.4); c.1722delTinsAGGTTTTTCAGGTGCATCA (NM_012062.3); and 1 more.
Identifiers: ClinVar variation 423601 (VCV000423601.3), dbSNP rs1064796519, ClinGen allele CA16619511.

ClinVar aggregate classification (germline): Uncertain significance (1 of 4 stars; one submission).

Submission:

GeneDx
Classification: Uncertain significance. Last evaluated: 2025-10-05. Review status: criteria provided, single submitter. Criteria: GeneDx Variant Classification Process June 2021. Collection method: clinical testing. Allele origin: germline. Affected: yes.
Comment: Reported in an adult with myoclonic tremor and ataxic gait identified by whole exome sequencing (Dushkin V et al. (2020) Neurology. 94 (15 Supplement)); Not observed at significant frequency in large population cohorts (gnomAD); In-frame insertion of 6 amino acids in a non-repeat region; This variant is associated with the following publications: (PMID: Dushkin[article]2020)